The following is an entry in ClinVar:

ClinVar aggregate classification (germline): Conflicting classifications of pathogenicity. Review status: criteria provided, conflicting classifications (1 of 4 stars). 6 submissions from 6 submitters: Uncertain significance (5); Likely benign (1). Last evaluated 2026-01-04.

Conditions:
LZTR1-related schwannomatosis. Also called: Schwannomatosis 2; Schwannomatosis-2, susceptibility to. Identifiers: Orphanet 93921, MedGen C3810283, MONDO:0014299, OMIM 615670.
Cardiovascular phenotype. Identifiers: MedGen CN230736.
Hereditary cancer-predisposing syndrome. Also called: Hereditary Cancer Syndrome; Tumor predisposition; Hereditary neoplastic syndrome; Neoplastic Syndromes, Hereditary. Identifiers: Orphanet 140162, MedGen C0027672, MeSH D009386, MONDO:0015356.
Noonan syndrome 2 (NS2). Identifiers: Orphanet 648, MedGen C1854469, MONDO:0011531, OMIM 605275.
Noonan syndrome 10 (NS10). Identifiers: Orphanet 648, MedGen C4225280, MONDO:0014693, OMIM 616564.

gnomAD v4.1: 22 of 1,597,214 alleles (0.0014%); highest among the groups gnomAD compares: Admixed American, 0.038%; no homozygotes.

Submissions (6):

Labcorp Genetics (formerly Invitae), Labcorp
Classification: Uncertain significance. Last evaluated: 2026-01-04. Review status: criteria provided, single submitter. Criteria: Invitae Variant Classification Sherloc (09022015). Collection method: clinical testing. Allele origin: germline.
Comment: This sequence change replaces arginine, which is basic and polar, with glycine, which is neutral and non-polar, at codon 505 of the LZTR1 protein (p.Arg505Gly). This variant is present in population databases (rs770974858, gnomAD 0.06%). This variant has not been reported in the literature in individuals affected with LZTR1-related conditions. ClinVar contains an entry for this variant (Variation ID: 1407647). Invitae Evidence Modeling of protein sequence and biophysical properties (such as structural, functional, and spatial information, amino acid conservation, physicochemical variation, residue mobility, and thermodynamic stability) indicates that this missense variant is not expected to disrupt LZTR1 protein function with a negative predictive value of 80%. In summary, the available evidence is currently insufficient to determine the role of this variant in disease. Therefore, it has been classified as a Variant of Uncertain Significance.

Women's Health and Genetics/Laboratory Corporation of America, LabCorp
Classification: Uncertain significance. Last evaluated: 2025-07-07. Review status: criteria provided, single submitter. Criteria: LabCorp Variant Classification Summary - May 2015. Collection method: clinical testing. Allele origin: germline.
Comment: Variant summary: LZTR1 c.1513C>G (p.Arg505Gly) results in a non-conservative amino acid change in the encoded protein sequence. Algorithms developed to predict the effect of missense changes on protein structure and function are either unavailable or do not agree on the potential impact of this missense change. The variant allele was found at a frequency of 9.2e-05 in 217222 control chromosomes. This frequency is not significantly higher than estimated for a pathogenic variant in LZTR1 causing Noonan Syndrome 2 (9.2e-05 vs 0.0032), allowing no conclusion about variant significance. To our knowledge, no occurrence of c.1513C>G in individuals affected with Noonan Syndrome 2 and no experimental evidence demonstrating its impact on protein function have been reported. ClinVar contains an entry for this variant (Variation ID: 1407647). Based on the evidence outlined above, the variant was classified as uncertain significance.

GeneDx
Classification: Uncertain significance. Last evaluated: 2024-10-04. Review status: criteria provided, single submitter. Criteria: GeneDx Variant Classification Process June 2021. Collection method: clinical testing. Allele origin: germline. Affected: yes.
Comment: In silico analysis indicates that this missense variant does not alter protein structure/function; Has not been previously published as pathogenic or benign to our knowledge

Ambry Genetics
Classification: Likely benign for Cardiovascular phenotype; Hereditary cancer-predisposing syndrome. Last evaluated: 2024-07-27. Review status: criteria provided, single submitter. Criteria: Ambry Variant Classification Scheme 2023. Collection method: clinical testing. Allele origin: germline.

Fulgent Genetics
Classification: Uncertain significance for Noonan syndrome 2; LZTR1-related schwannomatosis; Noonan syndrome 10. Last evaluated: 2024-03-17. Review status: criteria provided, single submitter. Criteria: ACMG Guidelines, 2015. Collection method: clinical testing. Allele origin: germline.

Baylor Genetics
Classification: Uncertain significance for LZTR1-related schwannomatosis. Last evaluated: 2023-06-26. Review status: criteria provided, single submitter. Criteria: ACMG Guidelines, 2015. Collection method: clinical testing. Allele origin: unknown.

NM_006767.4(LZTR1):c.1513C>G (p.Arg505Gly)

Gene: LZTR1 (leucine zipper like post translational regulator 1; plus strand). Cytogenetic location: 22q11.21.
Variant type: single nucleotide variant.
Coding change: c.1513C>G on transcript NM_006767.4 (MANE Select); coding-DNA position 1513, C replaced by G.
Protein change: p.Arg505Gly; replaces arginine 505 with glycine.
Molecular consequence: missense variant.
Genome position (GRCh38, 1-based): chr22:20,994,167, C>G. VCF-style: chr22-20994167-C-G. GRCh37 (hg19) VCF-style: chr22-21348456-C-G.
Other names: short protein forms R505G.
Identifiers: ClinVar variation 1407647 (VCV001407647.13), dbSNP rs770974858, ClinGen allele CA10118923.